The following is an entry in ClinVar:

ClinVar aggregate classification (germline): Uncertain significance (1 of 4 stars; one submission).

Allele frequency attached by ClinVar (database versions not stated): gnomAD exomes below 0.00001; TOPMed below 0.00001; gnomAD 0.00001; ESP Exome Variant Server 0.00008.
gnomAD v4.1: 9 of 1,614,000 alleles (0.00056%); highest among the groups gnomAD compares: Non-Finnish European, 0.00068%; no homozygotes.

Submission:

Labcorp Genetics (formerly Invitae), Labcorp
Classification: Uncertain significance. Last evaluated: 2022-05-16. Review status: criteria provided, single submitter. Criteria: Invitae Variant Classification Sherloc (09022015). Collection method: clinical testing. Allele origin: germline.
Comment: This sequence change replaces serine, which is neutral and polar, with glycine, which is neutral and non-polar, at codon 219 of the CA2 protein (p.Ser219Gly). In summary, the available evidence is currently insufficient to determine the role of this variant in disease. Therefore, it has been classified as a Variant of Uncertain Significance. Algorithms developed to predict the effect of missense changes on protein structure and function (SIFT, PolyPhen-2, Align-GVGD) all suggest that this variant is likely to be tolerated. This variant has not been reported in the literature in individuals affected with CA2-related conditions. This variant is present in population databases (rs143627836, gnomAD 0.002%).

NM_000067.3(CA2):c.655A>G (p.Ser219Gly)

Gene: CA2 (carbonic anhydrase 2; plus strand). Cytogenetic location: 8q21.2.
Variant type: single nucleotide variant.
Coding change: c.655A>G on transcript NM_000067.3 (MANE Select); coding-DNA position 655, A replaced by G.
Protein change: p.Ser219Gly; replaces serine 219 with glycine.
Molecular consequence: missense variant.
Genome position (GRCh38, 1-based): chr8:85,477,267, A>G. VCF-style: chr8-85477267-A-G. GRCh37 (hg19) VCF-style: chr8-86389496-A-G.
Other names: c.352A>G, p.Ser118Gly (NM_001293675.2); short protein forms S118G, S219G.
Identifiers: ClinVar variation 1982009 (VCV001982009.4), dbSNP rs143627836, ClinGen allele CA180256306.